The following is an entry in ClinVar:

ClinVar aggregate classification (germline): Benign/Likely benign. Review status: criteria provided, multiple submitters, no conflicts (2 of 4 stars). 4 submissions from 4 submitters: Benign (1); Likely benign (3). Last evaluated 2026-01-20.

Allele frequency attached by ClinVar (database versions not stated): TOPMed 0.00006; gnomAD 0.00007 and 0.00015; ESP Exome Variant Server 0.00008; gnomAD exomes 0.00016 and 0.00026; ExAC 0.00027; 1000 Genomes Project 30x 0.00031; 1000 Genomes Project 0.00040.

Submissions (4):

Labcorp Genetics (formerly Invitae), Labcorp
Classification: Benign. Last evaluated: 2026-01-20. Review status: criteria provided, single submitter. Criteria: Invitae Variant Classification Sherloc (09022015). Collection method: clinical testing. Allele origin: germline.

Blueprint Genetics
Classification: Likely benign. Last evaluated: 2024-10-24. Review status: criteria provided, single submitter. Criteria: ACMG Guidelines, 2015. Collection method: clinical testing. Allele origin: germline.

CeGaT Center for Human Genetics Tuebingen
Classification: Likely benign. Last evaluated: 2022-10-01. Review status: criteria provided, single submitter. Criteria: CeGaT Center For Human Genetics Tuebingen Variant Classification Criteria Version 2. Collection method: clinical testing. Allele origin: germline. Affected: yes. Observed: 2 variant alleles.
Comment: NDUFV1: BP4

GeneDx
Classification: Likely benign. Last evaluated: 2021-01-02. Review status: criteria provided, single submitter. Criteria: GeneDx Variant Classification Process June 2021. Collection method: clinical testing. Allele origin: germline. Affected: yes.

NM_007103.4(NDUFV1):c.1332G>A (p.Pro444=)

Genes: NDUFV1 (NADH:ubiquinone oxidoreductase core subunit V1; plus strand), LOC126861242 (CDK7 strongly-dependent group 2 enhancer GRCh37_chr11:67379204-67380403; plus strand). Cytogenetic location: 11q13.2.
Variant type: single nucleotide variant.
Coding change: c.1332G>A on transcript NM_007103.4 (MANE Select); coding-DNA position 1332, G replaced by A.
Protein change: p.Pro444=; no amino-acid change (proline 444 retained).
Molecular consequence: synonymous variant.
Genome position (GRCh38, 1-based): chr11:67,612,395, G>A. VCF-style: chr11-67612395-G-A. GRCh37 (hg19) VCF-style: chr11-67379866-G-A.
Other names: c.1305G>A, p.Pro435= (NM_001166102.2).
Identifiers: ClinVar variation 792336 (VCV000792336.44), dbSNP rs371954170, ClinGen allele CA6143507.